The following is an entry in ClinVar:

ClinVar aggregate classification (germline): Uncertain significance. Review status: criteria provided, multiple submitters, no conflicts (2 of 4 stars). 3 submissions from 3 submitters: Uncertain significance (3). Last evaluated 2024-08-29.

Conditions:
Fanconi anemia (FA). Also called: Fanconi's anemia. Identifiers: Orphanet 84, MedGen C0015625, MeSH D005199, MONDO:0019391.
Fanconi anemia complementation group G. Also called: Fanconi anemia group G; FANCG-Related Fanconi Anemia. Identifiers: Orphanet 84, MedGen C3469527, MONDO:0013565, OMIM 614082.

Allele frequency attached by ClinVar (database versions not stated): gnomAD 0.00001; TOPMed 0.00002.
gnomAD v4.1: 19 of 1,613,976 alleles (0.0012%); highest among the groups gnomAD compares: Non-Finnish European, 0.0015%; no homozygotes.

Submissions (3):

Blueprint Genetics
Classification: Uncertain significance. Last evaluated: 2024-08-29. Review status: criteria provided, single submitter. Criteria: ACMG Guidelines, 2015. Collection method: clinical testing. Allele origin: germline.

Fulgent Genetics
Classification: Uncertain significance for Fanconi anemia complementation group G. Last evaluated: 2024-05-06. Review status: criteria provided, single submitter. Criteria: ACMG Guidelines, 2015. Collection method: clinical testing. Allele origin: germline.

Labcorp Genetics (formerly Invitae), Labcorp
Classification: Uncertain significance for Fanconi anemia. Last evaluated: 2022-03-14. Review status: criteria provided, single submitter. Criteria: Invitae Variant Classification Sherloc (09022015). Collection method: clinical testing. Allele origin: germline.
Comment: This sequence change replaces lysine, which is basic and polar, with asparagine, which is neutral and polar, at codon 175 of the FANCG protein (p.Lys175Asn). This variant is present in population databases (no rsID available, gnomAD no frequency). This variant has not been reported in the literature in individuals affected with FANCG-related conditions. Algorithms developed to predict the effect of missense changes on protein structure and function (SIFT, PolyPhen-2, Align-GVGD) all suggest that this variant is likely to be tolerated. In summary, the available evidence is currently insufficient to determine the role of this variant in disease. Therefore, it has been classified as a Variant of Uncertain Significance.

NM_004629.2(FANCG):c.525G>C (p.Lys175Asn)

Gene: FANCG (FA complementation group G; minus strand). Cytogenetic location: 9p13.3.
Variant type: single nucleotide variant.
Coding change: c.525G>C on transcript NM_004629.2 (MANE Select); coding-DNA position 525, G replaced by C.
Protein change: p.Lys175Asn; replaces lysine 175 with asparagine.
Molecular consequence: missense variant.
Genome position (GRCh38, 1-based): chr9:35,077,385, C>G on the plus strand (G>C on the coding strand, the complement: FANCG is on the minus strand). VCF-style: chr9-35077385-C-G. GRCh37 (hg19) VCF-style: chr9-35077382-C-G.
Other names: short protein forms K175N.
Identifiers: ClinVar variation 2174091 (VCV002174091.3), dbSNP rs961011231, ClinGen allele CA192695233.